The following is an entry in ClinVar:

NM_001371986.1(UNC80):c.2273G>C (p.Gly758Ala)

Gene: UNC80 (unc-80 subunit of NALCN channel complex; plus strand). Cytogenetic location: 2q34.
Variant type: single nucleotide variant.
Coding change: c.2273G>C on transcript NM_001371986.1 (MANE Select); coding-DNA position 2273, G replaced by C.
Protein change: p.Gly758Ala; replaces glycine 758 with alanine.
Molecular consequence: missense variant.
Genome position (GRCh38, 1-based): chr2:209,820,621, G>C. VCF-style: chr2-209820621-G-C. GRCh37 (hg19) VCF-style: chr2-210685345-G-C.
Other names: c.2273G>C, p.Gly758Ala (NM_032504.2, NM_182587.4); short protein forms G758A.
Identifiers: ClinVar variation 450473 (VCV000450473.30), dbSNP rs573522549, ClinGen allele CA2083007.

ClinVar aggregate classification (germline): Uncertain significance. Review status: criteria provided, multiple submitters, no conflicts (2 of 4 stars). 3 submissions from 3 submitters: Uncertain significance (3). Last evaluated 2023-11-01.

Allele frequency attached by ClinVar (database versions not stated): gnomAD below 0.00001 and 0.00003; gnomAD exomes 0.00003 and 0.00005; ExAC 0.00019; 1000 Genomes Project 0.00020.
gnomAD v4.1: 54 of 1,550,580 alleles (0.0035%); highest among the groups gnomAD compares: South Asian, 0.061%; 1 homozygote.

Submissions (3):

CeGaT Center for Human Genetics Tuebingen
Classification: Uncertain significance. Last evaluated: 2023-11-01. Review status: criteria provided, single submitter. Criteria: CeGaT Center For Human Genetics Tuebingen Variant Classification Criteria Version 2. Collection method: clinical testing. Allele origin: germline. Affected: yes. Observed: 1 variant allele.

Labcorp Genetics (formerly Invitae), Labcorp
Classification: Uncertain significance. Last evaluated: 2021-09-24. Review status: criteria provided, single submitter. Criteria: Invitae Variant Classification Sherloc (09022015). Collection method: clinical testing. Allele origin: germline.
Comment: This sequence change replaces glycine with alanine at codon 758 of the UNC80 protein (p.Gly758Ala). The glycine residue is weakly conserved and there is a small physicochemical difference between glycine and alanine. This variant is present in population databases (rs573522549, ExAC 0.05%). This variant has not been reported in the literature in individuals with UNC80-related conditions. ClinVar contains an entry for this variant (Variation ID: 450473). Algorithms developed to predict the effect of missense changes on protein structure and function are either unavailable or do not agree on the potential impact of this missense change (SIFT: "Not Available"; PolyPhen-2: "Benign"; Align-GVGD: "Not Available"). In summary, the available evidence is currently insufficient to determine the role of this variant in disease. Therefore, it has been classified as a Variant of Uncertain Significance.

GeneDx
Classification: Uncertain significance. Last evaluated: 2020-03-05. Review status: criteria provided, single submitter. Criteria: GeneDx Variant Classification Process June 2021. Collection method: clinical testing. Allele origin: germline. Affected: yes.
Comment: In silico analysis supports that this missense variant does not alter protein structure/function; Has not been previously published as pathogenic or benign to our knowledge